The following is an entry in ClinVar:

NM_001206744.2(TPO):c.13G>A (p.Ala5Thr)

Gene: TPO (thyroid peroxidase; plus strand). Cytogenetic location: 2p25.3.
Variant type: single nucleotide variant.
Coding change: c.13G>A on transcript NM_001206744.2 (MANE Select); coding-DNA position 13, G replaced by A.
Protein change: p.Ala5Thr; replaces alanine 5 with threonine.
Molecular consequence: missense variant.
Genome position (GRCh38, 1-based): chr2:1,414,421, G>A. VCF-style: chr2-1414421-G-A. GRCh37 (hg19) VCF-style: chr2-1418193-G-A.
Other names: c.13G>A, p.Ala5Thr (NM_000547.6, NM_001206745.2, NM_175719.4 and 2 more transcripts); short protein forms A5T.
Identifiers: ClinVar variation 4536980 (VCV004536980.1).

ClinVar aggregate classification (germline): Uncertain significance (1 of 4 stars; one submission).

gnomAD v4.1: 27 of 1,613,708 alleles (0.0017%); highest among the groups gnomAD compares: Non-Finnish European, 0.0021%; no homozygotes.

Submission:

Women's Health and Genetics/Laboratory Corporation of America, LabCorp
Classification: Uncertain significance. Last evaluated: 2025-11-07. Review status: criteria provided, single submitter. Criteria: LabCorp Variant Classification Summary - May 2015. Collection method: clinical testing. Allele origin: germline.
Comment: Variant summary: TPO c.13G>A (p.Ala5Thr) results in a non-conservative amino acid change in the encoded protein sequence. Algorithms developed to predict the effect of missense changes on protein structure and function are either unavailable or do not agree on the potential impact of this missense change. The variant allele was found at a frequency of 8e-06 in 250828 control chromosomes. These data indicate that the variant may be associated with disease. To our knowledge, no experimental evidence demonstrating an impact on protein function has been reported. The following publications have been ascertained in the context of this evaluation (PMID: 23236987, 26831560). No submitters have cited clinical-significance assessments for this variant to ClinVar. Based on the evidence outlined above, the variant was classified as VUS-possibly pathogenic.

Literature cited by the submitters: PubMed 23236987; PubMed 26831560.